The following is an entry in ClinVar:

ClinVar aggregate classification (germline): Uncertain significance (1 of 4 stars; one submission).

Allele frequency attached by ClinVar (database versions not stated): gnomAD 0.00001.
gnomAD v4.1: 1 of 1,613,752 alleles (0.000062%); no homozygotes.

Submission:

Labcorp Genetics (formerly Invitae), Labcorp
Classification: Uncertain significance. Last evaluated: 2021-12-12. Review status: criteria provided, single submitter. Criteria: Invitae Variant Classification Sherloc (09022015). Collection method: clinical testing. Allele origin: germline.
Comment: In summary, the available evidence is currently insufficient to determine the role of this variant in disease. Therefore, it has been classified as a Variant of Uncertain Significance. This sequence change falls in intron 5 of the BCS1L gene. It does not directly change the encoded amino acid sequence of the BCS1L protein. It affects a nucleotide within the consensus splice site. This variant is present in population databases (no rsID available, gnomAD 0.03%). This variant has not been reported in the literature in individuals affected with BCS1L-related conditions. Variants that disrupt the consensus splice site are a relatively common cause of aberrant splicing (PMID: 17576681, 9536098). Algorithms developed to predict the effect of sequence changes on RNA splicing suggest that this variant is not likely to affect RNA splicing.

Literature cited by the submitters: PubMed 17576681; PubMed 9536098.

NM_001079866.2(BCS1L):c.655+6A>C

Gene: BCS1L (BCS1 ubiquinol-cytochrome c reductase complex chaperone; plus strand). Cytogenetic location: 2q35.
Variant type: single nucleotide variant.
Coding change: c.655+6A>C on transcript NM_001079866.2 (MANE Select); 6 bases into the intron after coding-DNA position 655, A replaced by C.
Molecular consequence: intron variant.
Genome position (GRCh38, 1-based): chr2:218,661,959, A>C. VCF-style: chr2-218661959-A-C. GRCh37 (hg19) VCF-style: chr2-219526682-A-C.
Other names: c.655+6A>C (NM_001374085.1, NM_001371446.1, NM_001371450.1 and 10 more transcripts); c.154+6A>C (NM_001374086.1, NM_001371454.1, NM_001371453.1 and 3 more transcripts); c.295+6A>C (NM_001371451.1, NM_001318836.2).
Identifiers: ClinVar variation 2041086 (VCV002041086.4), dbSNP rs1368985722, ClinGen allele CA539839960.